The following is an entry in ClinVar:

ClinVar aggregate classification (germline): Uncertain significance (1 of 4 stars; one submission).

Conditions:
Joubert syndrome. Also called: Familial aplasia of the vermis; CEREBELLOPARENCHYMAL DISORDER IV; JOUBERT-BOLTSHAUSER SYNDROME. Identifiers: Orphanet 475, MedGen C5979921, MONDO:0018772.

Submission:

Labcorp Genetics (formerly Invitae), Labcorp
Classification: Uncertain significance for Joubert syndrome. Last evaluated: 2022-11-08. Review status: criteria provided, single submitter. Criteria: Invitae Variant Classification Sherloc (09022015). Collection method: clinical testing. Allele origin: germline.
Comment: ClinVar contains an entry for this variant (Variation ID: 958980). This variant has not been reported in the literature in individuals affected with INPP5E-related conditions. This variant is not present in population databases (gnomAD no frequency). This sequence change replaces leucine, which is neutral and non-polar, with phenylalanine, which is neutral and non-polar, at codon 278 of the INPP5E protein (p.Leu278Phe). Advanced modeling of protein sequence and biophysical properties (such as structural, functional, and spatial information, amino acid conservation, physicochemical variation, residue mobility, and thermodynamic stability) has been performed at Invitae for this missense variant, however the output from this modeling did not meet the statistical confidence thresholds required to predict the impact of this variant on INPP5E protein function. In summary, the available evidence is currently insufficient to determine the role of this variant in disease. Therefore, it has been classified as a Variant of Uncertain Significance.

NM_019892.6(INPP5E):c.832C>T (p.Leu278Phe)

Gene: INPP5E (inositol polyphosphate-5-phosphatase E; minus strand). Cytogenetic location: 9q34.3.
Variant type: single nucleotide variant.
Coding change: c.832C>T on transcript NM_019892.6 (MANE Select); coding-DNA position 832, C replaced by T.
Protein change: p.Leu278Phe; replaces leucine 278 with phenylalanine.
Molecular consequence: missense variant.
Genome position (GRCh38, 1-based): chr9:136,434,844, G>A on the plus strand (C>T on the coding strand, the complement: INPP5E is on the minus strand). VCF-style: chr9-136434844-G-A. GRCh37 (hg19) VCF-style: chr9-139329296-G-A.
Other names: c.832C>T, p.Leu278Phe (NM_001318502.2); short protein forms L278F.
Identifiers: ClinVar variation 958980 (VCV000958980.10), dbSNP rs1835795799, ClinGen allele CA375566127.